The following is an entry in ClinVar:

NM_006739.4(MCM5):c.1274G>A (p.Arg425Gln)

Gene: MCM5 (minichromosome maintenance complex component 5; plus strand). Cytogenetic location: 22q12.3.
Variant type: single nucleotide variant.
Coding change: c.1274G>A on transcript NM_006739.4 (MANE Select); coding-DNA position 1274, G replaced by A.
Protein change: p.Arg425Gln; replaces arginine 425 with glutamine.
Molecular consequence: missense variant.
Genome position (GRCh38, 1-based): chr22:35,415,899, G>A. VCF-style: chr22-35415899-G-A. GRCh37 (hg19) VCF-style: chr22-35811892-G-A.
Other names: short protein forms R425Q.
Identifiers: ClinVar variation 2990801 (VCV002990801.3), dbSNP rs1186229935, ClinGen allele CA411346748.

ClinVar aggregate classification (germline): Uncertain significance (1 of 4 stars; one submission).

Allele frequency attached by ClinVar (database versions not stated): gnomAD 0.00001; gnomAD exomes 0.00001; TOPMed 0.00002.

Submission:

Labcorp Genetics (formerly Invitae), Labcorp
Classification: Uncertain significance. Last evaluated: 2023-06-03. Review status: criteria provided, single submitter. Criteria: Invitae Variant Classification Sherloc (09022015). Collection method: clinical testing. Allele origin: germline.
Comment: This sequence change replaces arginine, which is basic and polar, with glutamine, which is neutral and polar, at codon 425 of the MCM5 protein (p.Arg425Gln). This variant is present in population databases (no rsID available, gnomAD 0.01%). This variant has not been reported in the literature in individuals affected with MCM5-related conditions. In summary, the available evidence is currently insufficient to determine the role of this variant in disease. Therefore, it has been classified as a Variant of Uncertain Significance. Advanced modeling of protein sequence and biophysical properties (such as structural, functional, and spatial information, amino acid conservation, physicochemical variation, residue mobility, and thermodynamic stability) performed at Invitae indicates that this missense variant is expected to disrupt MCM5 protein function.